The following is an entry in ClinVar:

ClinVar aggregate classification (germline): Uncertain significance (1 of 4 stars; one submission).

Conditions:
Pontocerebellar hypoplasia type 2E. Identifiers: Orphanet 247198, MedGen C4014488, MONDO:0014370, OMIM 615851.

gnomAD v4.1: 1 of 1,614,094 alleles (0.000062%); highest among the groups gnomAD compares: Middle Eastern, 0.016%; no homozygotes.

Submission:

Juno Genomics, Hangzhou Juno Genomics, Inc
Classification: Uncertain significance for Pontocerebellar hypoplasia type 2E. Review status: criteria provided, single submitter. Criteria: ACMG Guidelines, 2015. Collection method: clinical testing. Allele origin: germline.
Comment: Absent from controls (or at extremely low frequency if recessive) in Genome Aggregation Database.;Multiple lines of computational evidence support a deleterious effect on the gene or gene product.

NM_001128159.3(VPS53):c.428C>T (p.Thr143Ile)

Gene: VPS53 (VPS53 subunit of GARP complex; minus strand). Cytogenetic location: 17p13.3.
Variant type: single nucleotide variant.
Coding change: c.428C>T on transcript NM_001128159.3 (MANE Select); coding-DNA position 428, C replaced by T.
Protein change: p.Thr143Ile; replaces threonine 143 with isoleucine.
Molecular consequence: missense variant. On other transcripts: 5 prime UTR variant (1).
Genome position (GRCh38, 1-based): chr17:655,898, G>A on the plus strand (C>T on the coding strand, the complement: VPS53 is on the minus strand). VCF-style: chr17-655898-G-A. GRCh37 (hg19) VCF-style: chr17-559138-G-A.
Other names: c.428C>T, p.Thr143Ile (NM_001366253.2); c.-265C>T (NM_001366254.2); c.341C>T, p.Thr114Ile (NM_018289.4); short protein forms T114I, T143I.
Identifiers: ClinVar variation 5005794 (VCV005005794.2).
Genomic context (GRCh38, chr17:655,898, plus strand): 5'-TCGAGGGAGTCGACACCTCCTGCCAGCATGTGCAGGTGGTTCAGTGTGGTGATTGAGGTG[G>A]TCAGGTGGCGTTTGGCGTGATCTAATTGCTTAATATCACGGGTGATTTCTTTCACCTAAA-3'
Protein context (NP_001121631.1, residues 133-153): KQLDHAKRHL[Thr143Ile]TSITTLNHLH